The following is an entry in ClinVar:

ClinVar aggregate classification (germline): Uncertain significance (1 of 4 stars; one submission).

Conditions:
ALMS1-related disorder. Also called: ALMS1-related condition.

Submission:

PreventionGenetics, part of Exact Sciences
Classification: Uncertain significance for ALMS1-related condition. Last evaluated: 2026-05-27. Review status: criteria provided, single submitter. Criteria: ACMG Guidelines, 2015. Collection method: clinical testing. Allele origin: germline.
Comment: The ALMS1 c.8773C>A variant is predicted to result in the amino acid substitution p.Gln2925Lys. To our knowledge, this variant has not been reported in the literature. This variant is reported in 0.00088% of alleles in individuals of European (Non-Finnish) descent in gnomAD. At this time, the clinical significance of this variant is uncertain due to the absence of conclusive functional and genetic evidence.

NM_001378454.1(ALMS1):c.8770C>A (p.Leu2924Ile)

Gene: ALMS1 (ALMS1 centrosome and basal body associated protein; plus strand). Cytogenetic location: 2p13.1.
Variant type: single nucleotide variant.
Coding change: c.8770C>A on transcript NM_001378454.1 (MANE Select); coding-DNA position 8770, C replaced by A.
Protein change: p.Leu2924Ile; replaces leucine 2924 with isoleucine.
Molecular consequence: missense variant.
Genome position (GRCh38, 1-based): chr2:73,490,729, C>A. VCF-style: chr2-73490729-C-A. GRCh37 (hg19) VCF-style: chr2-73717856-C-A.
Other names: c.8773C>A, p.Leu2925Ile (NM_015120.4); short protein forms L2924I, L2925I.
Identifiers: ClinVar variation 4996875 (VCV004996875.1).